The following is an entry in ClinVar:

NM_000155.4(GALT):c.253-6C>G

Gene: GALT (galactose-1-phosphate uridylyltransferase; plus strand). Cytogenetic location: 9p13.3.
Variant type: single nucleotide variant.
Coding change: c.253-6C>G on transcript NM_000155.4 (MANE Select); 6 bases into the intron before coding-DNA position 253, C replaced by G.
Molecular consequence: intron variant.
Genome position (GRCh38, 1-based): chr9:34,647,486, C>G. VCF-style: chr9-34647486-C-G. GRCh37 (hg19) VCF-style: chr9-34647483-C-G.
Other names: c.50+228C>G (NM_001258332.2).
Identifiers: ClinVar variation 2819534 (VCV002819534.3), dbSNP rs753450355, ClinGen allele CA2739265805.
Genomic context (GRCh38, chr9:34,647,486, plus strand): 5'-TTTGAAGCCCACCAGGTAACTGGTGGTATGGGGCAGTGAGTGCTTCTAGCCTATCCTTGT[C>G]GGTAGGTGAATCCCCAGTACGATAGCACCTTCCTGTTTGACAACGACTTCCCAGCTCTGC-3'

ClinVar aggregate classification (germline): Uncertain significance. Review status: criteria provided, multiple submitters, no conflicts (2 of 4 stars). 2 submissions from 2 submitters: Uncertain significance (2). Last evaluated 2023-07-22.

Conditions:
Deficiency of UDPglucose-hexose-1-phosphate uridylyltransferase. Also called: GALACTOSE-1-PHOSPHATE URIDYLYLTRANSFERASE DEFICIENCY; GALT deficiency; Galactosemia, classic; Transferase Deficiency Galactosemia; GALACTOSEMIA I. Identifiers: Orphanet 352, Orphanet 79239, MedGen C0268151, MONDO:0009258, OMIM 230400.

Submissions (2):

Neuberg Centre For Genomic Medicine, NCGM
Classification: Uncertain significance for Deficiency of UDPglucose-hexose-1-phosphate uridylyltransferase. Last evaluated: 2023-07-22. Review status: criteria provided, single submitter. Criteria: ACMG Guidelines, 2015. Collection method: clinical testing. Allele origin: germline. Inheritance: Autosomal recessive inheritance. Affected: yes.
Comment: The splice site c.253-6C>G variant in the GALT gene has not been reported previously as a pathogenic variant nor as a benign variant, to our knowledge. The variant is absent in the gnomAD Exomes. The variant affects the AG acceptor splice site upstream to exon 10. Splice site prediction tools predict a moderate splicing effect for this variant. Further studies are required to prove the pathogenicity of this variant. For these reasons, this variant has been classified as Uncertain Significance.

Labcorp Genetics (formerly Invitae), Labcorp
Classification: Uncertain significance for Deficiency of UDPglucose-hexose-1-phosphate uridylyltransferase. Last evaluated: 2023-01-04. Review status: criteria provided, single submitter. Criteria: Invitae Variant Classification Sherloc (09022015). Collection method: clinical testing. Allele origin: germline.
Comment: In summary, the available evidence is currently insufficient to determine the role of this variant in disease. Therefore, it has been classified as a Variant of Uncertain Significance. Algorithms developed to predict the effect of sequence changes on RNA splicing suggest that this variant may disrupt the consensus splice site. This variant has not been reported in the literature in individuals affected with GALT-related conditions. This variant is not present in population databases (gnomAD no frequency). This sequence change falls in intron 2 of the GALT gene. It does not directly change the encoded amino acid sequence of the GALT protein.